The following is an entry in ClinVar:

ClinVar aggregate classification (germline): Uncertain significance. Review status: criteria provided, multiple submitters, no conflicts (2 of 4 stars). 2 submissions from 2 submitters: Uncertain significance (2). Last evaluated 2024-10-28.

Conditions:
Developmental and epileptic encephalopathy, 63. Also called: EPILEPTIC ENCEPHALOPATHY, EARLY INFANTILE, 63. Identifiers: MedGen C4693810, MONDO:0033372, OMIM 617976.

gnomAD v4.1: 3 of 1,595,566 alleles (0.00019%); highest among the groups gnomAD compares: Non-Finnish European, 0.00026%; no homozygotes.

Submissions (2):

Labcorp Genetics (formerly Invitae), Labcorp
Classification: Uncertain significance. Last evaluated: 2024-10-28. Review status: criteria provided, single submitter. Criteria: Invitae Variant Classification Sherloc (09022015). Collection method: clinical testing. Allele origin: germline.
Comment: This sequence change creates a premature translational stop signal (p.Tyr70*) in the CPLX1 gene. While this is not anticipated to result in nonsense mediated decay, it is expected to disrupt the last 65 amino acid(s) of the CPLX1 protein. This variant is not present in population databases (gnomAD no frequency). This variant has not been reported in the literature in individuals affected with CPLX1-related conditions. ClinVar contains an entry for this variant (Variation ID: 2047405). Algorithms developed to predict the effect of sequence changes on RNA splicing suggest that this variant may create or strengthen a splice site. In summary, the available evidence is currently insufficient to determine the role of this variant in disease. Therefore, it has been classified as a Variant of Uncertain Significance.

Neuberg Centre For Genomic Medicine, NCGM
Classification: Uncertain significance for Developmental and epileptic encephalopathy, 63. Review status: criteria provided, single submitter. Criteria: ACMG Guidelines, 2015. Collection method: clinical testing. Allele origin: germline. Inheritance: Autosomal recessive inheritance. Affected: yes.
Comment: The stop gained c.210C>G(p.Tyr70Ter) variant in CPLX1 gene has not been reported previously as a pathogenic variant nor as a benign variant to our knowledge The p.Tyr70Ter variant is novel (not in any individuals) in gnomAD Exomes and in 1000 Genomes. Loss of function variants have been previously reported to be disease causing. Since this variant is present in the last exon, functional studies will be required to prove protein truncation. For these reasons, this variant has been classified as Uncertain Significance.

NM_006651.4(CPLX1):c.210C>G (p.Tyr70Ter)

Gene: CPLX1 (complexin 1; minus strand). Cytogenetic location: 4p16.3.
Variant type: single nucleotide variant.
Coding change: c.210C>G on transcript NM_006651.4 (MANE Select); coding-DNA position 210, C replaced by G.
Protein change: p.Tyr70Ter; replaces tyrosine 70 with a stop codon.
Molecular consequence: nonsense.
Genome position (GRCh38, 1-based): chr4:786,696, G>C on the plus strand (C>G on the coding strand, the complement: CPLX1 is on the minus strand). VCF-style: chr4-786696-G-C. GRCh37 (hg19) VCF-style: chr4-780484-G-C.
Other names: short protein forms Y70*.
Identifiers: ClinVar variation 2047405 (VCV002047405.4), dbSNP rs757558496, ClinGen allele CA355921748.